The following is an entry in ClinVar:

NM_000075.4(CDK4):c.802G>A (p.Gly268Arg)

Genes: CDK4 (cyclin dependent kinase 4; minus strand), TSPAN31 (tetraspanin 31; plus strand). Cytogenetic location: 12q14.1.
Variant type: single nucleotide variant.
Coding change: c.802G>A on transcript NM_000075.4 (MANE Select); coding-DNA position 802, G replaced by A.
Protein change: p.Gly268Arg; replaces glycine 268 with arginine.
Molecular consequence: missense variant. On other transcripts: 3 prime UTR variant (3).
Genome position (GRCh38, 1-based): chr12:57,749,199, C>T on the plus strand (G>A on the coding strand, the complement: CDK4 is on the minus strand). VCF-style: chr12-57749199-C-T. GRCh37 (hg19) VCF-style: chr12-58142982-C-T.
Other names: c.*1909C>T (NM_001330168.2, NM_001330169.2, NM_005981.5); short protein forms G268R.
Identifiers: ClinVar variation 1515914 (VCV001515914.8), dbSNP rs2140382669, ClinGen allele CA385542995.

ClinVar aggregate classification (germline): Uncertain significance (1 of 4 stars; one submission).

Conditions:
Familial melanoma. Also called: Hereditary melanoma; Hereditary cutaneous melanoma. Identifiers: Orphanet 618, MedGen C1512419, MONDO:0018961.

Submission:

Labcorp Genetics (formerly Invitae), Labcorp
Classification: Uncertain significance for Familial melanoma. Last evaluated: 2021-03-11. Review status: criteria provided, single submitter. Criteria: Invitae Variant Classification Sherloc (09022015). Collection method: clinical testing. Allele origin: germline.
Comment: In summary, the available evidence is currently insufficient to determine the role of this variant in disease. Therefore, it has been classified as a Variant of Uncertain Significance. Advanced modeling of protein sequence and biophysical properties (such as structural, functional, and spatial information, amino acid conservation, physicochemical variation, residue mobility, and thermodynamic stability) performed at Invitae indicates that this missense variant is expected to disrupt CDK4 protein function. This variant has not been reported in the literature in individuals with CDK4-related conditions. This variant is not present in population databases (ExAC no frequency). This sequence change replaces glycine with arginine at codon 268 of the CDK4 protein (p.Gly268Arg). The glycine residue is highly conserved and there is a moderate physicochemical difference between glycine and arginine.